The following is an entry in ClinVar:

ClinVar aggregate classification (germline): Conflicting classifications of pathogenicity. Review status: criteria provided, conflicting classifications (1 of 4 stars). 3 submissions from 3 submitters: Uncertain significance (2); Likely benign (1). Last evaluated 2025-11-04.

Conditions:
Hereditary cancer-predisposing syndrome. Also called: Neoplastic Syndromes, Hereditary; Tumor predisposition; Hereditary neoplastic syndrome; Hereditary Cancer Syndrome. Identifiers: Orphanet 140162, MedGen C0027672, MeSH D009386, MONDO:0015356.
Hereditary breast ovarian cancer syndrome. Also called: Hereditary breast and ovarian cancer syndrome; Hereditary breast and ovarian cancer; Hereditary breast and ovarian cancer syndrome (HBOC); Breast and ovarian cancer; Hereditary breast and/or ovarian cancer syndrome; BRCA1- and BRCA2-Associated Hereditary Breast and Ovarian Cancer. Identifiers: Orphanet 145, MedGen C0677776, MeSH D061325, MONDO:0003582. Disease mechanism: loss of function.

Allele frequency attached by ClinVar (database versions not stated): TOPMed 0.00002; gnomAD 0.00004 and 0.00005.
gnomAD v4.1: 6 of 152,150 alleles (0.0039%); highest among the groups gnomAD compares: African/African-American, 0.014%; no homozygotes.

Submissions (3):

Labcorp Genetics (formerly Invitae), Labcorp
Classification: Uncertain significance for Hereditary breast ovarian cancer syndrome. Last evaluated: 2025-11-04. Review status: criteria provided, single submitter. Criteria: Invitae Variant Classification Sherloc (09022015). Collection method: clinical testing. Allele origin: germline.
Comment: This sequence change falls in intron 20 of the BRCA1 gene. It does not directly change the encoded amino acid sequence of the BRCA1 protein. RNA analysis indicates that this variant induces altered splicing and may result in an absent or altered protein product. This variant is present in population databases (no rsID available, gnomAD 0.02%). This variant has not been reported in the literature in individuals affected with BRCA1-related conditions. ClinVar contains an entry for this variant (Variation ID: 628571). Studies have shown that this variant results in intronic inclusion, and produces a non-functional protein and/or introduces a premature termination codon (internal data). In summary, the available evidence is currently insufficient to determine the role of this variant in disease. Therefore, it has been classified as a Variant of Uncertain Significance.

Ambry Genetics
Classification: Uncertain significance for Hereditary cancer-predisposing syndrome. Last evaluated: 2025-08-08. Review status: criteria provided, single submitter. Criteria: Ambry Variant Classification Scheme 2023. Collection method: clinical testing. Allele origin: germline.
Comment: The c.5333-483T>G intronic variant results from a T to G substitution 483 nucleotides upstream from coding exon 20 in the BRCA1 gene. This nucleotide position is well conserved in available vertebrate species. In silico splice site analysis for this alteration is inconclusive. RNA studies have demonstrated that this alteration results in a splice defect; the clinical impact of this abnormal splicing is unknown at this time (Ambry internal data). Based on the available evidence, the clinical significance of this variant remains unclear.

Color Diagnostics, LLC DBA Color Health
Classification: Likely benign for Hereditary cancer-predisposing syndrome. Last evaluated: 2016-04-22. Review status: criteria provided, single submitter. Criteria: ACMG Guidelines, 2015. Collection method: clinical testing. Allele origin: germline.

NM_007294.4(BRCA1):c.5333-483T>G

Gene: BRCA1 (BRCA1 DNA repair associated; minus strand). Cytogenetic location: 17q21.31.
Variant type: single nucleotide variant.
Coding change: c.5333-483T>G on transcript NM_007294.4 (MANE Select); 483 bases into the intron before coding-DNA position 5333, T replaced by G.
Molecular consequence: intron variant.
Genome position (GRCh38, 1-based): chr17:43,049,677, A>C on the plus strand (T>G on the coding strand, the complement: BRCA1 is on the minus strand). VCF-style: chr17-43049677-A-C. GRCh37 (hg19) VCF-style: chr17-41201694-A-C.
Other names: c.1754-483T>G (NM_001408505.1); c.5069-483T>G (NM_001407926.1, NM_001407922.1, NM_001407925.1 and 4 more transcripts); c.5189-483T>G (NM_001407743.1, NM_001407747.1, NM_001407745.1 and 18 more transcripts); c.5063-483T>G (NM_001407935.1, NM_001407934.1, NM_001407936.1); c.4871-483T>G (NM_001407964.1); c.5186-483T>G (NM_001407844.1, NM_001407848.1, NM_001407839.1 and 12 more transcripts); c.1880-483T>G (NM_001408458.1, NM_001408461.1, NM_001408464.1 and 7 more transcripts); c.4442-483T>G (NM_001407967.1); and 84 more.
Identifiers: ClinVar variation 628571 (VCV000628571.11), dbSNP rs967027857, ClinGen allele CA290818892.